The following is an entry in ClinVar:

ClinVar aggregate classification (germline): Uncertain significance (1 of 4 stars; one submission).

Submission:

Ambry Genetics
Classification: Uncertain significance. Last evaluated: 2022-04-21. Review status: criteria provided, single submitter. Criteria: Ambry Variant Classification Scheme 2023. Collection method: clinical testing. Allele origin: germline.
Comment: The p.I1292F variant (also known as c.3874A>T), located in coding exon 35 of the KIF1B gene, results from an A to T substitution at nucleotide position 3874. The isoleucine at codon 1292 is replaced by phenylalanine, an amino acid with highly similar properties. This amino acid position is conserved. In addition, the in silico prediction for this alteration is inconclusive. Since supporting evidence is limited at this time, the clinical significance of this alteration remains unclear.

NM_001365951.3(KIF1B):c.4012A>T (p.Ile1338Phe)

Gene: KIF1B (kinesin family member 1B; plus strand). Cytogenetic location: 1p36.22.
Variant type: single nucleotide variant.
Coding change: c.4012A>T on transcript NM_001365951.3 (MANE Select); coding-DNA position 4012, A replaced by T.
Protein change: p.Ile1338Phe; replaces isoleucine 1338 with phenylalanine.
Molecular consequence: missense variant.
Genome position (GRCh38, 1-based): chr1:10,352,693, A>T. VCF-style: chr1-10352693-A-T. GRCh37 (hg19) VCF-style: chr1-10412751-A-T.
Other names: c.4012A>T, p.Ile1338Phe (NM_001365952.1); c.3874A>T, p.Ile1292Phe (NM_015074.3); short protein forms I1338F, I1292F.
Identifiers: ClinVar variation 1735738 (VCV001735738.2), dbSNP rs2521828368, ClinGen allele CA338344431.
Genomic context (GRCh38, chr1:10,352,693, plus strand): 5'-CGTATTCGGAATAAGCCTGAGGTGGATGAAGCTGCAGTTGATGCCATCCTCTCCCTAAAT[A>T]TTATTTCTGCCAAGTACCTGAAGTCTTCCCACAACTCTAGCAGGTGGGACACCCAGAGCA-3'
Protein context (NP_001352880.1, residues 1328-1348): AAVDAILSLN[Ile1338Phe]ISAKYLKSSH